The following is an entry in ClinVar:

NM_021098.3(CACNA1H):c.3679G>A (p.Asp1227Asn)

Gene: CACNA1H (calcium voltage-gated channel subunit alpha1 H; plus strand). Cytogenetic location: 16p13.3.
Variant type: single nucleotide variant.
Coding change: c.3679G>A on transcript NM_021098.3 (MANE Select); coding-DNA position 3679, G replaced by A.
Protein change: p.Asp1227Asn; replaces aspartic acid 1227 with asparagine.
Molecular consequence: missense variant.
Genome position (GRCh38, 1-based): chr16:1,209,347, G>A. VCF-style: chr16-1209347-G-A. GRCh37 (hg19) VCF-style: chr16-1259347-G-A.
Other names: c.3679G>A, p.Asp1227Asn (NM_001005407.2); c.3679G>A (NM_021098.2); short protein forms D1227N.
Identifiers: ClinVar variation 2938791 (VCV002938791.4), dbSNP rs376491138, ClinGen allele CA7800847.

ClinVar aggregate classification (germline): Benign. Review status: criteria provided, single submitter (1 of 4 stars). 2 submissions from 2 submitters: Benign (1). 1 of the submissions does not count toward it. Last evaluated 2024-01-02.

Conditions:
Hyperaldosteronism, familial, type IV (HALD4). Also called: FH IV; ALDOSTERONISM, PRIMARY, AND HYPERTENSION. Identifiers: Orphanet 642671, MedGen C4310756, MONDO:0014875, OMIM 617027.
Idiopathic generalized epilepsy. Also called: EIG; Generalised epilepsy. Identifiers: MedGen C0270850, MONDO:0005579, OMIM 600669.
CACNA1H-related disorder.

Allele frequency attached by ClinVar (database versions not stated): gnomAD exomes below 0.00001; ExAC 0.00005; ESP Exome Variant Server 0.00008.
gnomAD v4.1: 8 of 1,597,912 alleles (0.0005%); highest among the groups gnomAD compares: African/African-American, 0.0027%; no homozygotes.

Submissions (2):

Labcorp Genetics (formerly Invitae), Labcorp
Classification: Benign for Idiopathic generalized epilepsy; Hyperaldosteronism, familial, type IV. Last evaluated: 2024-01-02. Review status: criteria provided, single submitter. Criteria: Invitae Variant Classification Sherloc (09022015). Collection method: clinical testing. Allele origin: germline.

PreventionGenetics, part of Exact Sciences
Classification: Uncertain significance for CACNA1H-related condition. Last evaluated: 2024-04-06. Review status: no assertion criteria provided. Collection method: clinical testing. Allele origin: germline. Not counted in ClinVar's aggregate classification.
Comment: The CACNA1H c.3679G>A variant is predicted to result in the amino acid substitution p.Asp1227Asn. This variant was reported in an individual with autism spectrum disorder (16:1209347:G:A at Supplementary Table 20 of Fu et al. 2022. PubMed ID: 35982160). This variant is reported in 0.014% of alleles in individuals of African descent in gnomAD. At this time, the clinical significance of this variant is uncertain due to the absence of conclusive functional and genetic evidence.